The following is an entry in ClinVar:

ClinVar aggregate classification (germline): Uncertain significance. Review status: criteria provided, multiple submitters, no conflicts (2 of 4 stars). 2 submissions from 2 submitters: Uncertain significance (2). Last evaluated 2022-11-02.

Submissions (2):

Blueprint Genetics
Classification: Uncertain significance. Last evaluated: 2022-11-02. Review status: criteria provided, single submitter. Criteria: ACMG Guidelines, 2015. Collection method: clinical testing. Allele origin: germline.

Labcorp Genetics (formerly Invitae), Labcorp
Classification: Uncertain significance. Last evaluated: 2022-07-12. Review status: criteria provided, single submitter. Criteria: Invitae Variant Classification Sherloc (09022015). Collection method: clinical testing. Allele origin: germline.
Comment: This sequence change replaces glutamic acid, which is acidic and polar, with lysine, which is basic and polar, at codon 448 of the IMPG2 protein (p.Glu448Lys). This variant is not present in population databases (gnomAD no frequency). In summary, the available evidence is currently insufficient to determine the role of this variant in disease. Therefore, it has been classified as a Variant of Uncertain Significance. This variant has not been reported in the literature in individuals affected with IMPG2-related conditions. ClinVar contains an entry for this variant (Variation ID: 1403636). Algorithms developed to predict the effect of missense changes on protein structure and function output the following: SIFT: "Tolerated"; PolyPhen-2: "Benign"; Align-GVGD: "Class C0". The lysine amino acid residue is found in multiple mammalian species, which suggests that this missense change does not adversely affect protein function.

NM_016247.4(IMPG2):c.1342G>A (p.Glu448Lys)

Gene: IMPG2 (interphotoreceptor matrix proteoglycan 2; minus strand). Cytogenetic location: 3q12.3.
Variant type: single nucleotide variant.
Coding change: c.1342G>A on transcript NM_016247.4 (MANE Select); coding-DNA position 1342, G replaced by A.
Protein change: p.Glu448Lys; replaces glutamic acid 448 with lysine.
Molecular consequence: missense variant.
Genome position (GRCh38, 1-based): chr3:101,246,003, C>T on the plus strand (G>A on the coding strand, the complement: IMPG2 is on the minus strand). VCF-style: chr3-101246003-C-T. GRCh37 (hg19) VCF-style: chr3-100964847-C-T.
Other names: short protein forms E448K.
Identifiers: ClinVar variation 1403636 (VCV001403636.9), dbSNP rs1576749257, ClinGen allele CA353862764.